The following is an entry in ClinVar:

NM_133379.5(TTN):c.11942A>G (p.Asp3981Gly)

Gene: TTN (titin; minus strand). Cytogenetic location: 2q31.2.
Variant type: single nucleotide variant.
Coding change: c.11942A>G on transcript NM_133379.5; coding-DNA position 11942, A replaced by G.
Protein change: p.Asp3981Gly; replaces aspartic acid 3981 with glycine.
Molecular consequence: missense variant. On other transcripts: intron variant (6).
Genome position (GRCh38, 1-based): chr2:178,750,458, T>C on the plus strand (A>G on the coding strand, the complement: TTN is on the minus strand). VCF-style: chr2-178750458-T-C. GRCh37 (hg19) VCF-style: chr2-179615185-T-C.
Other names: c.10222+2666A>G (NM_003319.4); c.10798+2666A>G (NM_133437.4); c.10597+2666A>G (NM_133432.3); c.10360+2666A>G (NM_133378.4, NM_001256850.1); c.11311+2666A>G (NM_001267550.2); short protein forms D3981G.
Identifiers: ClinVar variation 192058 (VCV000192058.3), dbSNP rs201757429, ClinGen allele CA238208.

ClinVar aggregate classification (germline): Conflicting classifications of pathogenicity. Review status: criteria provided, conflicting classifications (1 of 4 stars). 3 submissions from 3 submitters: Uncertain significance (2); Likely benign (1). Last evaluated 2022-02-21.

Conditions:
Myopathy, myofibrillar, 9, with early respiratory failure (MFM9). Also called: Hereditary myopathy with early respiratory failure; EDSTROM MYOPATHY; MYOPATHY, PROXIMAL, WITH EARLY RESPIRATORY MUSCLE INVOLVEMENT; Myopathy, distal, with early respiratory failure, autosomal dominant. Identifiers: Orphanet 178464, Orphanet 34521, MedGen C1863599, MONDO:0011362, OMIM 603689.
Hypertrophic cardiomyopathy 9. Also called: Familial hypertrophic cardiomyopathy 9. Identifiers: MedGen C1861065, MONDO:0013412, OMIM 613765.
Early-onset myopathy with fatal cardiomyopathy (CMYO5). Also called: CONGENITAL MYOPATHY 5 WITH CARDIOMYOPATHY; Salih Myopathy. Identifiers: Orphanet 289377, MedGen C2673677, MONDO:0012714, OMIM 611705. Disease mechanism: loss of function.
Tibial muscular dystrophy (TMD). Also called: Tibial muscular dystrophy, tardive; UDD MYOPATHY; Udd Distal Myopathy – Tibial Muscular Dystrophy. Identifiers: Orphanet 609, MedGen C1838244, MONDO:0010870, OMIM 600334.
Autosomal recessive limb-girdle muscular dystrophy type 2J (LGMDR10). Also called: MUSCULAR DYSTROPHY, LIMB-GIRDLE, AUTOSOMAL RECESSIVE 10; Limb-girdle muscular dystrophy, type 2J. Identifiers: Orphanet 140922, MedGen C1837342, MONDO:0012127, OMIM 608807.
Dilated cardiomyopathy 1G (CMD1G). Identifiers: Orphanet 154, MedGen C1858763, MONDO:0011400, OMIM 604145.

Allele frequency attached by ClinVar (database versions not stated): gnomAD exomes below 0.00001 and 0.00002; TOPMed below 0.00001; ExAC 0.00001.
gnomAD v4.1: 35 of 1,612,876 alleles (0.0022%); highest among the groups gnomAD compares: Non-Finnish European, 0.0029%; no homozygotes.

Submissions (3):

Blueprint Genetics
Classification: Likely benign. Last evaluated: 2022-02-21. Review status: criteria provided, single submitter. Criteria: ACMG Guidelines, 2015. Collection method: clinical testing. Allele origin: germline.

Fulgent Genetics
Classification: Uncertain significance for Tibial muscular dystrophy; Myopathy, myofibrillar, 9, with early respiratory failure; Dilated cardiomyopathy 1G; Autosomal recessive limb-girdle muscular dystrophy type 2J; Early-onset myopathy with fatal cardiomyopathy; Hypertrophic cardiomyopathy 9. Last evaluated: 2021-08-24. Review status: criteria provided, single submitter. Criteria: ACMG Guidelines, 2015. Collection method: clinical testing. Allele origin: unknown.

Biesecker Lab/Clinical Genomics Section, National Institutes of Health
Classification: Uncertain significance. Last evaluated: 2013-06-24. Review status: criteria provided, single submitter. Criteria: Ng et al. (Circ Cardiovasc Genet. 2013). Collection method: research. Allele origin: unknown. Observed: 1 variant allele. Study: ClinSeq.
Comment: The study set was not selected for affection status in relation to any cancer. Pathogenicity categories were based on literature curation. See Pubmed ID:23861362 for details.

Medical sequencing